The following is an entry in ClinVar:

ClinVar aggregate classification (germline): Uncertain significance (1 of 4 stars; one submission).

Submission:

GeneDx
Classification: Uncertain significance. Last evaluated: 2022-06-30. Review status: criteria provided, single submitter. Criteria: GeneDx Variant Classification Process June 2021. Collection method: clinical testing. Allele origin: germline. Affected: yes.
Comment: Not observed at significant frequency in large population cohorts (gnomAD); In silico analysis supports that this missense variant has a deleterious effect on protein structure/function; Has not been previously published as pathogenic or benign to our knowledge

NM_001190274.2(FBXO11):c.2207G>T (p.Cys736Phe)

Gene: FBXO11 (F-box protein 11; minus strand). Cytogenetic location: 2p16.3.
Variant type: single nucleotide variant.
Coding change: c.2207G>T on transcript NM_001190274.2 (MANE Select); coding-DNA position 2207, G replaced by T.
Protein change: p.Cys736Phe; replaces cysteine 736 with phenylalanine.
Molecular consequence: missense variant.
Genome position (GRCh38, 1-based): chr2:47,813,254, C>A on the plus strand (G>T on the coding strand, the complement: FBXO11 is on the minus strand). VCF-style: chr2-47813254-C-A. GRCh37 (hg19) VCF-style: chr2-48040393-C-A.
Other names: c.1955G>T, p.Cys652Phe (NM_001374325.1, NM_025133.4); short protein forms C652F, C736F.
Identifiers: ClinVar variation 1809964 (VCV001809964.1), dbSNP rs1670750251, ClinGen allele CA346763195.